The following is an entry in ClinVar:

ClinVar aggregate classification (germline): Uncertain significance. Review status: criteria provided, multiple submitters, no conflicts (2 of 4 stars). 2 submissions from 2 submitters: Uncertain significance (2). Last evaluated 2024-12-02.

Conditions:
Xanthinuria type II. Also called: Xanthine dehydrogenase and aldehyde oxidase combined deficiency of; XDH and AOX dual deficiency. Identifiers: Orphanet 3467, Orphanet 93602, MedGen C1863688, MONDO:0011346, OMIM 603592.

Allele frequency attached by ClinVar (database versions not stated): gnomAD exomes 0.00004 and 0.00010; ESP Exome Variant Server 0.00008; ExAC 0.00011; 1000 Genomes Project 0.00020; gnomAD 0.00024 and 0.00029; TOPMed 0.00029; 1000 Genomes Project 30x 0.00031.
gnomAD v4.1: 101 of 1,614,160 alleles (0.0063%); highest among the groups gnomAD compares: African/African-American, 0.072%; 1 homozygote.

Submissions (2):

Labcorp Genetics (formerly Invitae), Labcorp
Classification: Uncertain significance for Xanthinuria type II. Last evaluated: 2024-12-02. Review status: criteria provided, single submitter. Criteria: Invitae Variant Classification Sherloc (09022015). Collection method: clinical testing. Allele origin: germline.
Comment: This sequence change replaces threonine, which is neutral and polar, with methionine, which is neutral and non-polar, at codon 229 of the MOCOS protein (p.Thr229Met). This variant is present in population databases (rs141623345, gnomAD 0.1%). This variant has not been reported in the literature in individuals affected with MOCOS-related conditions. ClinVar contains an entry for this variant (Variation ID: 850529). Invitae Evidence Modeling of protein sequence and biophysical properties (such as structural, functional, and spatial information, amino acid conservation, physicochemical variation, residue mobility, and thermodynamic stability) indicates that this missense variant is not expected to disrupt MOCOS protein function with a negative predictive value of 80%. In summary, the available evidence is currently insufficient to determine the role of this variant in disease. Therefore, it has been classified as a Variant of Uncertain Significance.

Fulgent Genetics
Classification: Uncertain significance for Xanthinuria type II. Last evaluated: 2024-02-09. Review status: criteria provided, single submitter. Criteria: ACMG Guidelines, 2015. Collection method: clinical testing. Allele origin: germline.

NM_017947.4(MOCOS):c.686C>T (p.Thr229Met)

Gene: MOCOS (molybdenum cofactor sulfurase; plus strand). Cytogenetic location: 18q12.2.
Variant type: single nucleotide variant.
Coding change: c.686C>T on transcript NM_017947.4 (MANE Select); coding-DNA position 686, C replaced by T.
Protein change: p.Thr229Met; replaces threonine 229 with methionine.
Molecular consequence: missense variant.
Genome position (GRCh38, 1-based): chr18:36,200,069, C>T. VCF-style: chr18-36200069-C-T. GRCh37 (hg19) VCF-style: chr18-33780032-C-T.
Other names: short protein forms T229M.
Identifiers: ClinVar variation 850529 (VCV000850529.10), dbSNP rs141623345, ClinGen allele CA8940487.
Genomic context (GRCh38, chr18:36,200,069, plus strand): 5'-TCAGATACCCCCTGTCCTGGATAGAAGAGGTCAAGTCTGGGCGGTTGCACCCTGTGAGCA[C>T]GCCTGGGAAGTGGTTTGTGCTGCTGGATGCAGCCTCCTACGTGAGCACCTCGCCTTTGGA-3'
Protein context (NP_060417.4, residues 219-239): VKSGRLHPVS[Thr229Met]PGKWFVLLDA